The following is an entry in ClinVar:

NM_005219.5(DIAPH1):c.2108C>T (p.Pro703Leu)

Gene: DIAPH1 (diaphanous related formin 1; minus strand). Cytogenetic location: 5q31.3.
Variant type: single nucleotide variant.
Coding change: c.2108C>T on transcript NM_005219.5 (MANE Select); coding-DNA position 2108, C replaced by T.
Protein change: p.Pro703Leu; replaces proline 703 with leucine.
Molecular consequence: missense variant.
Genome position (GRCh38, 1-based): chr5:141,573,742, G>A on the plus strand (C>T on the coding strand, the complement: DIAPH1 is on the minus strand). VCF-style: chr5-141573742-G-A. GRCh37 (hg19) VCF-style: chr5-140953309-G-A.
Other names: c.2081C>T, p.Pro694Leu (NM_001079812.3); c.2108C>T, p.Pro703Leu (NM_001314007.2); short protein forms P694L, P703L.
Identifiers: ClinVar variation 1065010 (VCV001065010.9), dbSNP rs762356974, ClinGen allele CA128437057.

ClinVar aggregate classification (germline): Uncertain significance. Review status: criteria provided, multiple submitters, no conflicts (2 of 4 stars). 2 submissions from 2 submitters: Uncertain significance (2). Last evaluated 2025-07-14.

Conditions:
Autosomal dominant nonsyndromic hearing loss 1. Also called: KONIGSMARK SYNDROME; DEAFNESS, AUTOSOMAL DOMINANT 1, WITH OR WITHOUT THROMBOCYTOPENIA. Identifiers: Orphanet 90635, MedGen C1852282, MONDO:0007424, OMIM 124900.
Progressive microcephaly-seizures-cortical blindness-developmental delay syndrome. Also called: Seizures, cortical blindness, and microcephaly syndrome. Identifiers: Orphanet 477814, MedGen C5567650, MONDO:0014714, OMIM 616632.
Hearing impairment. Also called: Impaired Hearing. Identifiers: MedGen C1384666, MONDO:0005365, HP:0000365.

gnomAD v4.1: 20 of 1,528,836 alleles (0.0013%); highest among the groups gnomAD compares: African/African-American, 0.0028%; no homozygotes.

Submissions (2):

Labcorp Genetics (formerly Invitae), Labcorp
Classification: Uncertain significance for Progressive microcephaly-seizures-cortical blindness-developmental delay syndrome; Autosomal dominant nonsyndromic hearing loss 1. Last evaluated: 2025-07-14. Review status: criteria provided, single submitter. Criteria: Invitae Variant Classification Sherloc (09022015). Collection method: clinical testing. Allele origin: germline.
Comment: This sequence change replaces proline, which is neutral and non-polar, with leucine, which is neutral and non-polar, at codon 703 of the DIAPH1 protein (p.Pro703Leu). The frequency data for this variant in the population databases is considered unreliable, as metrics indicate poor data quality at this position in the gnomAD database. This variant has not been reported in the literature in individuals affected with DIAPH1-related conditions. ClinVar contains an entry for this variant (Variation ID: 1065010). Experimental studies and prediction algorithms are not available or were not evaluated, and the functional significance of this variant is currently unknown. In summary, the available evidence is currently insufficient to determine the role of this variant in disease. Therefore, it has been classified as a Variant of Uncertain Significance.

Department of Otolaryngology – Head & Neck Surgery, Cochlear Implant Center
Classification: Uncertain significance for Hearing impairment. Last evaluated: 2021-04-12. Review status: criteria provided, single submitter. Criteria: ClinGen HL ACMG Specifications v1. Collection method: clinical testing. Allele origin: germline. Affected: yes.
Comment: PM2_Moderate, BP4_Supporting